The following is an entry in ClinVar:

ClinVar aggregate classification (germline): Likely pathogenic (0 of 4 stars; one submission).

Conditions:
VWF-related disorder. Also called: VWF-related disorders; VWF-related condition.

Allele frequency attached by ClinVar (database versions not stated): gnomAD exomes below 0.00001.
gnomAD v4.1: 2 of 1,614,162 alleles (0.00012%); highest among the groups gnomAD compares: South Asian, 0.0022%; no homozygotes.

Submission:

PreventionGenetics, part of Exact Sciences
Classification: Likely pathogenic for VWF-related condition. Last evaluated: 2023-12-01. Review status: no assertion criteria provided. Collection method: clinical testing. Allele origin: germline.
Comment: The VWF c.257T>A variant is predicted to result in the amino acid substitution p.Val86Glu. This variant has been reported in the homozygous state in individuals with von Willebrand disease type 3 (Ahmed et al. 2019. PubMed ID: 31532876; Naveed et al. 2022. PubMed ID: 35741733). In vitro functional studies demonstrate this variant affects VWF function and results in VWF protein retention in the endoplasmic reticulum (Yadegari et al. 2021. PubMed ID: 33942438). This variant has not been reported in a large population database, indicating this variant is rare. This variant is interpreted as likely pathogenic.

NM_000552.5(VWF):c.257T>A (p.Val86Glu)

Gene: VWF (von Willebrand factor; minus strand). Cytogenetic location: 12p13.31.
Variant type: single nucleotide variant.
Coding change: c.257T>A on transcript NM_000552.5 (MANE Select); coding-DNA position 257, T replaced by A.
Protein change: p.Val86Glu; replaces valine 86 with glutamic acid.
Molecular consequence: missense variant.
Genome position (GRCh38, 1-based): chr12:6,110,932, A>T on the plus strand (T>A on the coding strand, the complement: VWF is on the minus strand). VCF-style: chr12-6110932-A-T. GRCh37 (hg19) VCF-style: chr12-6220098-A-T.
Other names: short protein forms V86E.
Identifiers: ClinVar variation 3035748 (VCV003035748.2), dbSNP rs2497300203, ClinGen allele CA383519542.